The following is an entry in ClinVar:

ClinVar aggregate classification (germline): Uncertain significance (1 of 4 stars; one submission).

Submission:

Labcorp Genetics (formerly Invitae), Labcorp
Classification: Uncertain significance. Last evaluated: 2023-08-04. Review status: criteria provided, single submitter. Criteria: Invitae Variant Classification Sherloc (09022015). Collection method: clinical testing. Allele origin: germline.
Comment: In summary, the available evidence is currently insufficient to determine the role of this variant in disease. Therefore, it has been classified as a Variant of Uncertain Significance. Advanced modeling of protein sequence and biophysical properties (such as structural, functional, and spatial information, amino acid conservation, physicochemical variation, residue mobility, and thermodynamic stability) performed at Invitae indicates that this missense variant is not expected to disrupt CFB protein function. ClinVar contains an entry for this variant (Variation ID: 1040975). This variant has not been reported in the literature in individuals affected with CFB-related conditions. This variant is not present in population databases (gnomAD no frequency). This sequence change replaces aspartic acid, which is acidic and polar, with asparagine, which is neutral and polar, at codon 627 of the CFB protein (p.Asp627Asn).

NM_001710.6(CFB):c.1879G>A (p.Asp627Asn)

Gene: CFB (complement factor B; plus strand). Cytogenetic location: 6p21.33.
Variant type: single nucleotide variant.
Coding change: c.1879G>A on transcript NM_001710.6 (MANE Select); coding-DNA position 1879, G replaced by A.
Protein change: p.Asp627Asn; replaces aspartic acid 627 with asparagine.
Molecular consequence: missense variant.
Genome position (GRCh38, 1-based): chr6:31,951,167, G>A. VCF-style: chr6-31951167-G-A. GRCh37 (hg19) VCF-style: chr6-31918944-G-A.
Other names: short protein forms D627N.
Identifiers: ClinVar variation 1040975 (VCV001040975.8), dbSNP rs1771738312, ClinGen allele CA363410717.